The following is an entry in ClinVar:

NM_001377.3(DYNC2H1):c.3550C>T (p.Gln1184Ter)

Gene: DYNC2H1 (dynein cytoplasmic 2 heavy chain 1; plus strand). Cytogenetic location: 11q22.3.
Variant type: single nucleotide variant.
Coding change: c.3550C>T on transcript NM_001377.3 (MANE Select); coding-DNA position 3550, C replaced by T.
Protein change: p.Gln1184Ter; replaces glutamine 1184 with a stop codon.
Molecular consequence: nonsense.
Genome position (GRCh38, 1-based): chr11:103,154,786, C>T. VCF-style: chr11-103154786-C-T. GRCh37 (hg19) VCF-style: chr11-103025515-C-T.
Other names: c.3550C>T, p.Gln1184Ter (NM_001080463.2); short protein forms Q1184*.
Identifiers: ClinVar variation 5014515 (VCV005014515.1).
Genomic context (GRCh38, chr11:103,154,786, plus strand): 5'-ATGAACTGGCATGACAGATTAAGGAAGGTTGAAGAACATTCAGTGATGACAGTGAAATTA[C>T]AATCAGAGGTTGACAAATATAAAGTAAGATTGTTTTATTATTTTGCCAATTAAAAACAAT-3'

ClinVar aggregate classification (germline): Pathogenic (1 of 4 stars; one submission).

Conditions:
Asphyxiating thoracic dystrophy 3. Also called: SHORT-RIB THORACIC DYSPLASIA 3 WITH OR WITHOUT POLYDACTYLY; POLYDACTYLY WITH NEONATAL CHONDRODYSTROPHY, TYPE I; SHORT-RIB THORACIC DYSPLASIA 3/6 WITH POLYDACTYLY, DIGENIC; Short rib polydactyly syndrome 2B; Saldino-Noonan Syndrome. Identifiers: Orphanet 474, Orphanet 93269, Orphanet 93270, Orphanet 93271, MedGen C0036069, MONDO:0013127, OMIM 613091.

gnomAD v4.1: 1 of 1,550,638 alleles (0.000064%); highest among the groups gnomAD compares: East Asian, 0.0024%; no homozygotes.

Submission:

Myriad Genetics, Inc.
Classification: Pathogenic for Asphyxiating thoracic dystrophy 3. Last evaluated: 2025-05-24. Review status: criteria provided, single submitter. Criteria: Myriad Autosomal Dominant, Autosomal Recessive and X-Linked Classification Criteria (2023). Collection method: clinical testing. Allele origin: unknown.
Comment: NM_001377.2(DYNC2H1):c.3550C>T(Q1184*) is expected to be pathogenic in the context of DYNC2H1-related disorders. This variant is predicted to lead to an abnormal or absent protein product due to the creation of a premature termination codon in DYNC2H1, a gene where loss-of-function variants are known to be pathogenic. Please note: this variant was assessed in the context of healthy population screening.